The following is an entry in ClinVar:

NM_058216.3(RAD51C):c.986C>T (p.Ser329Leu)

Gene: RAD51C (RAD51 paralog C; plus strand). Cytogenetic location: 17q22.
Variant type: single nucleotide variant.
Coding change: c.986C>T on transcript NM_058216.3 (MANE Select); coding-DNA position 986, C replaced by T.
Protein change: p.Ser329Leu; replaces serine 329 with leucine.
Molecular consequence: missense variant. On other transcripts: non-coding transcript variant (1).
Genome position (GRCh38, 1-based): chr17:58,732,504, C>T. VCF-style: chr17-58732504-C-T. GRCh37 (hg19) VCF-style: chr17-56809865-C-T.
Other names: short protein forms S329L.
Identifiers: ClinVar variation 566789 (VCV000566789.10), dbSNP rs1567817363, ClinGen allele CA400364931.

ClinVar aggregate classification (germline): Uncertain significance (1 of 4 stars; one submission).

Conditions:
Fanconi anemia complementation group O. Also called: RAD51C-Related Fanconi Anemia. Identifiers: Orphanet 84, MedGen C3150653, MONDO:0013248, OMIM 613390.

Submission:

Labcorp Genetics (formerly Invitae), Labcorp
Classification: Uncertain significance for Fanconi anemia complementation group O. Last evaluated: 2022-02-20. Review status: criteria provided, single submitter. Criteria: Invitae Variant Classification Sherloc (09022015). Collection method: clinical testing. Allele origin: germline.
Comment: In summary, the available evidence is currently insufficient to determine the role of this variant in disease. Therefore, it has been classified as a Variant of Uncertain Significance. Algorithms developed to predict the effect of missense changes on protein structure and function (SIFT, PolyPhen-2, Align-GVGD) all suggest that this variant is likely to be disruptive. ClinVar contains an entry for this variant (Variation ID: 566789). This variant has not been reported in the literature in individuals affected with RAD51C-related conditions. This variant is not present in population databases (gnomAD no frequency). This sequence change replaces serine, which is neutral and polar, with leucine, which is neutral and non-polar, at codon 329 of the RAD51C protein (p.Ser329Leu).